The following is an entry in ClinVar:

ClinVar aggregate classification (germline): Likely benign (0 of 4 stars; one submission).

Conditions:
FANCF-related disorder. Also called: FANCF-related condition.

Submission:

PreventionGenetics, part of Exact Sciences
Classification: Likely benign for FANCF-related condition. Last evaluated: 2019-03-01. Review status: no assertion criteria provided. Collection method: clinical testing. Allele origin: germline.
Comment: This variant is classified as likely benign based on ACMG/AMP sequence variant interpretation guidelines (Richards et al. 2015 PMID: 25741868, with internal and published modifications).

NM_022725.4(FANCF):c.651G>A (p.Arg217=)

Gene: FANCF (FA complementation group F; minus strand). Cytogenetic location: 11p14.3.
Variant type: single nucleotide variant.
Coding change: c.651G>A on transcript NM_022725.4 (MANE Select); coding-DNA position 651, G replaced by A.
Protein change: p.Arg217=; no amino-acid change (arginine 217 retained).
Molecular consequence: synonymous variant.
Genome position (GRCh38, 1-based): chr11:22,625,160, C>T on the plus strand (G>A on the coding strand, the complement: FANCF is on the minus strand). VCF-style: chr11-22625160-C-T. GRCh37 (hg19) VCF-style: chr11-22646706-C-T.
Identifiers: ClinVar variation 3356177 (VCV003356177.1).